The following is an entry in ClinVar:

ClinVar aggregate classification (germline): Uncertain significance (1 of 4 stars; one submission).

Conditions:
UCP3-related disorder. Also called: UCP3-related condition.

gnomAD v4.1: 18 of 1,593,740 alleles (0.0011%); highest among the groups gnomAD compares: African/African-American, 0.019%; no homozygotes.

Submission:

PreventionGenetics, part of Exact Sciences
Classification: Uncertain significance for UCP3-related condition. Last evaluated: 2026-06-16. Review status: criteria provided, single submitter. Criteria: ACMG Guidelines, 2015. Collection method: clinical testing. Allele origin: germline.
Comment: The UCP3 c.167T>C variant is predicted to result in the amino acid substitution p.Val56Ala. To our knowledge, this variant has not been reported in the literature. This variant is reported in 0.025% of alleles in individuals of African descent in gnomAD. An alternate missense alteration at the same amino acid position has been reported in individuals with severe, early-onset obesity, and a functional study suggested it had a dominant-negative effect on wild type protein activity; however, the alternate change (p.Val56Met) is also present in the gnomAD database at a higher frequency than expected for a pathogenic change (Musa et al. 2012. PubMed ID: 21544083). At this time, the clinical significance of this variant is uncertain due to the absence of conclusive functional and genetic evidence.

NM_003356.4(UCP3):c.167T>C (p.Val56Ala)

Gene: UCP3 (uncoupling protein 3; minus strand). Cytogenetic location: 11q13.4.
Variant type: single nucleotide variant.
Coding change: c.167T>C on transcript NM_003356.4 (MANE Select); coding-DNA position 167, T replaced by C.
Protein change: p.Val56Ala; replaces valine 56 with alanine.
Molecular consequence: missense variant.
Genome position (GRCh38, 1-based): chr11:74,006,339, A>G on the plus strand (T>C on the coding strand, the complement: UCP3 is on the minus strand). VCF-style: chr11-74006339-A-G. GRCh37 (hg19) VCF-style: chr11-73717384-A-G.
Other names: c.167T>C, p.Val56Ala (NM_022803.3); short protein forms V56A.
Identifiers: ClinVar variation 3351599 (VCV003351599.2).
Genomic context (GRCh38, chr11:74,006,339, plus strand): 5'-CTGCAGGGACCCTCAGTCCGCACCATGGTCAGGATGGTGCCCAGCACGCCACGGTACTGC[A>G]CGAGCCGGGCCGTCTGGACCGCCTGGTTCTCCCCCTGGATCTGAGGGACAATAGCAGGGG-3'
Protein context (NP_003347.1, residues 46-66): ENQAVQTARL[Val56Ala]QYRGVLGTIL